The following is an entry in ClinVar:

ClinVar aggregate classification (germline): Likely pathogenic (1 of 4 stars; one submission).

Submission:

Labcorp Genetics (formerly Invitae), Labcorp
Classification: Likely pathogenic. Last evaluated: 2022-12-08. Review status: criteria provided, single submitter. Criteria: Invitae Variant Classification Sherloc (09022015). Collection method: clinical testing. Allele origin: germline.
Comment: This variant is not present in population databases (gnomAD no frequency). This sequence change affects a donor splice site in intron 3 of the HPS5 gene. It is expected to disrupt RNA splicing. Variants that disrupt the donor or acceptor splice site typically lead to a loss of protein function (PMID: 16199547), and loss-of-function variants in HPS5 are known to be pathogenic (PMID: 12548288, 15296495, 21833017, 26785811). This variant has not been reported in the literature in individuals affected with HPS5-related conditions. Algorithms developed to predict the effect of sequence changes on RNA splicing suggest that this variant may disrupt the consensus splice site. In summary, the currently available evidence indicates that the variant is pathogenic, but additional data are needed to prove that conclusively. Therefore, this variant has been classified as Likely Pathogenic.

Literature cited by the submitters: PubMed 16199547; PubMed 12548288; PubMed 15296495; PubMed 21833017; PubMed 26785811.

NM_181507.2(HPS5):c.219+2T>C

Gene: HPS5 (HPS5 biogenesis of lysosomal organelles complex 2 subunit 2; minus strand). Cytogenetic location: 11p15.1.
Variant type: single nucleotide variant.
Coding change: c.219+2T>C on transcript NM_181507.2 (MANE Select); the canonical splice donor site of the intron after coding-DNA position 219, T replaced by C.
Molecular consequence: splice donor variant. On other transcripts: intron variant (8).
Genome position (GRCh38, 1-based): chr11:18,311,912, A>G on the plus strand (T>C on the coding strand, the complement: HPS5 is on the minus strand). VCF-style: chr11-18311912-A-G. GRCh37 (hg19) VCF-style: chr11-18333459-A-G.
Other names: c.-123-461T>C (NM_001440929.1, NM_001440926.1, NM_001440928.1 and 1 more transcripts); c.-124+2T>C (NM_181508.2, NM_001440921.1, NM_001440925.1 and 6 more transcripts); c.109-461T>C (NM_001440915.1, NM_001440914.1, NM_001440913.1); c.219+2T>C (NM_001440931.1, NM_001440917.1, NM_001440906.1 and 6 more transcripts); c.144+2T>C (NM_001440907.1, NM_001440909.1, NM_001440908.1); c.34-461T>C (NM_001440918.1).
Identifiers: ClinVar variation 2819583 (VCV002819583.3), dbSNP rs2494224184, ClinGen allele CA379507362.